The following is an entry in ClinVar:

ClinVar aggregate classification (germline): Likely benign (0 of 4 stars; one submission).

Conditions:
NCOA1-related disorder. Also called: NCOA1-related condition.

Allele frequency attached by ClinVar (database versions not stated): gnomAD 0.00001; ExAC 0.00002; gnomAD exomes 0.00002; TOPMed 0.00002; ESP Exome Variant Server 0.00008.
gnomAD v4.1: 30 of 1,613,848 alleles (0.0019%); highest among the groups gnomAD compares: Non-Finnish European, 0.0024%; no homozygotes.

Submission:

PreventionGenetics, part of Exact Sciences
Classification: Likely benign for NCOA1-related condition. Last evaluated: 2022-11-03. Review status: no assertion criteria provided. Collection method: clinical testing. Allele origin: germline.
Comment: This variant is classified as likely benign based on ACMG/AMP sequence variant interpretation guidelines (Richards et al. 2015 PMID: 25741868, with internal and published modifications).

NM_003743.5(NCOA1):c.2904A>G (p.Val968=)

Gene: NCOA1 (nuclear receptor coactivator 1; plus strand). Cytogenetic location: 2p23.3.
Variant type: single nucleotide variant.
Coding change: c.2904A>G on transcript NM_003743.5 (MANE Select); coding-DNA position 2904, A replaced by G.
Protein change: p.Val968=; no amino-acid change (valine 968 retained).
Molecular consequence: synonymous variant.
Genome position (GRCh38, 1-based): chr2:24,729,518, A>G. VCF-style: chr2-24729518-A-G. GRCh37 (hg19) VCF-style: chr2-24952387-A-G.
Other names: c.2904A>G, p.Val968= (NM_001362950.1, NM_001362952.1, NM_001362954.1 and 3 more transcripts).
Identifiers: ClinVar variation 3029579 (VCV003029579.2), dbSNP rs371669660, ClinGen allele CA1552529.
Genomic context (GRCh38, chr2:24,729,518, plus strand): 5'-GCAGAAATTTATTTGTAAAATATTCTGGCTTCTTTTCTAACAGGGGGGTGGATTAGATGT[A>G]TTATCAGAGAGATTTCCACCACAACAAGCAACGCCACCTTTGATCATGGAAGAAAGACCC-3'
Protein context (NP_003734.3, residues 958-978): DKLVQGGGLD[Val968=]LSERFPPQQA